The following is an entry in ClinVar:

NM_018060.4(IARS2):c.2111A>T (p.Asn704Ile)

Gene: IARS2 (isoleucyl-tRNA synthetase 2, mitochondrial; plus strand). Cytogenetic location: 1q41.
Variant type: single nucleotide variant.
Coding change: c.2111A>T on transcript NM_018060.4 (MANE Select); coding-DNA position 2111, A replaced by T.
Protein change: p.Asn704Ile; replaces asparagine 704 with isoleucine.
Molecular consequence: missense variant.
Genome position (GRCh38, 1-based): chr1:220,137,979, A>T. VCF-style: chr1-220137979-A-T. GRCh37 (hg19) VCF-style: chr1-220311321-A-T.
Other names: short protein forms N704I.
Identifiers: ClinVar variation 1513870 (VCV001513870.6), dbSNP rs138738853, ClinGen allele CA1401687.

ClinVar aggregate classification (germline): Uncertain significance (1 of 4 stars; one submission).

gnomAD v4.1: 23 of 1,614,004 alleles (0.0014%); highest among the groups gnomAD compares: South Asian, 0.023%; no homozygotes.

Submission:

Labcorp Genetics (formerly Invitae), Labcorp
Classification: Uncertain significance. Last evaluated: 2022-06-28. Review status: criteria provided, single submitter. Criteria: Invitae Variant Classification Sherloc (09022015). Collection method: clinical testing. Allele origin: germline.
Comment: This variant is present in population databases (rs138738853, gnomAD 0.03%). In summary, the available evidence is currently insufficient to determine the role of this variant in disease. Therefore, it has been classified as a Variant of Uncertain Significance. Algorithms developed to predict the effect of missense changes on protein structure and function are either unavailable or do not agree on the potential impact of this missense change (SIFT: "Deleterious"; PolyPhen-2: "Probably Damaging"; Align-GVGD: "Class C0"). This variant has not been reported in the literature in individuals affected with IARS2-related conditions. This sequence change replaces asparagine, which is neutral and polar, with isoleucine, which is neutral and non-polar, at codon 704 of the IARS2 protein (p.Asn704Ile).